The following is an entry in ClinVar:

NM_004370.6(COL12A1):c.1292G>A (p.Cys431Tyr)

Gene: COL12A1 (collagen type XII alpha 1 chain; minus strand). Cytogenetic location: 6q13.
Variant type: single nucleotide variant.
Coding change: c.1292G>A on transcript NM_004370.6 (MANE Select); coding-DNA position 1292, G replaced by A.
Protein change: p.Cys431Tyr; replaces cysteine 431 with tyrosine.
Molecular consequence: missense variant. On other transcripts: intron variant (2).
Genome position (GRCh38, 1-based): chr6:75,183,649, C>T on the plus strand (G>A on the coding strand, the complement: COL12A1 is on the minus strand). VCF-style: chr6-75183649-C-T. GRCh37 (hg19) VCF-style: chr6-75893365-C-T.
Other names: c.1292G>A, p.Cys431Tyr (NM_001424114.1, NM_001424115.1, NM_001424113.1); c.73+19071G>A (NM_001424116.1, NM_080645.3); short protein forms C431Y.
Identifiers: ClinVar variation 2922317 (VCV002922317.3), dbSNP rs777254921, ClinGen allele CA364771892.

ClinVar aggregate classification (germline): Uncertain significance (1 of 4 stars; one submission).

Conditions:
Ullrich congenital muscular dystrophy 2 (UCMD2). Identifiers: Orphanet 75840, MedGen C4225314, MONDO:0014654, OMIM 616470.
Bethlem myopathy 2 (BTHLM2). Identifiers: Orphanet 536516, Orphanet 610, MedGen C4225313, MONDO:0034022, OMIM 616471.

Submission:

Labcorp Genetics (formerly Invitae), Labcorp
Classification: Uncertain significance for Bethlem myopathy 2; Ullrich congenital muscular dystrophy 2. Last evaluated: 2024-01-19. Review status: criteria provided, single submitter. Criteria: Invitae Variant Classification Sherloc (09022015). Collection method: clinical testing. Allele origin: germline.
Comment: This sequence change replaces cysteine, which is neutral and slightly polar, with tyrosine, which is neutral and polar, at codon 431 of the COL12A1 protein (p.Cys431Tyr). This variant is not present in population databases (gnomAD no frequency). This variant has not been reported in the literature in individuals affected with COL12A1-related conditions. Advanced modeling of protein sequence and biophysical properties (such as structural, functional, and spatial information, amino acid conservation, physicochemical variation, residue mobility, and thermodynamic stability) has been performed at Invitae for this missense variant, however the output from this modeling did not meet the statistical confidence thresholds required to predict the impact of this variant on COL12A1 protein function. In summary, the available evidence is currently insufficient to determine the role of this variant in disease. Therefore, it has been classified as a Variant of Uncertain Significance.